The following is an entry in ClinVar:

NM_000231.3(SGCG):c.579-23_579-21del

Gene: SGCG (sarcoglycan gamma; plus strand). Cytogenetic location: 13q12.12.
Variant type: Deletion.
Coding change: c.579-23_579-21del on transcript NM_000231.3 (MANE Select); 23 bases into the intron before coding-DNA position 579 through 21 bases into the intron before coding-DNA position 579, 3 bases deleted (TGT; older notation c.579-23_579-21delTGT).
Molecular consequence: intron variant.
Genome position (GRCh38, 1-based): chr13:23,320,614-23,320,616, TGT deleted; deleting any 3 consecutive bases within chr13:23,320,613-23,320,616 gives the same sequence; the c. name uses the placement nearest the transcript's 3' end. VCF-style (leftmost placement, unchanged base first): chr13-23320612-TTTG-T. GRCh37 (hg19) VCF-style: chr13-23894751-TTTG-T.
Other names: c.633-23_633-21del (NM_001378244.1); c.579-23_579-21del (NM_001378245.1, NM_001378246.1).
Identifiers: ClinVar variation 3059326 (VCV003059326.2), dbSNP rs748325449, ClinGen allele CA6909774.

ClinVar aggregate classification (germline): Likely benign (0 of 4 stars; one submission).

Conditions:
SGCG-related disorder. Also called: SGCG-related condition.

Submission:

PreventionGenetics, part of Exact Sciences
Classification: Likely benign for SGCG-related condition. Last evaluated: 2021-03-22. Review status: no assertion criteria provided. Collection method: clinical testing. Allele origin: germline.
Comment: This variant is classified as likely benign based on ACMG/AMP sequence variant interpretation guidelines (Richards et al. 2015 PMID: 25741868, with internal and published modifications).